The following is an entry in ClinVar:

ClinVar aggregate classification (germline): Likely pathogenic. Review status: criteria provided, multiple submitters, no conflicts (2 of 4 stars). 3 submissions from 3 submitters: Likely pathogenic (3). Last evaluated 2024-08-16.

Conditions:
Complex cortical dysplasia with other brain malformations 1. Identifiers: Orphanet 300570, MedGen C3808397, MONDO:0013541, OMIM 614039.

Submissions (3):

3billion
Classification: Likely pathogenic for Complex cortical dysplasia with other brain malformations 1. Last evaluated: 2024-08-16. Review status: criteria provided, single submitter. Criteria: ACMG Guidelines, 2015. Collection method: clinical testing. Allele origin: germline. Affected: yes.
Comment: The variant is not observed in the gnomAD v4.0.0 dataset. Predicted Consequence/Location: Missense changes are a common disease-causing mechanism. In silico tool predictions suggest damaging effect of the variant on gene or gene product [REVEL: 0.80 (>=0.6, sensitivity 0.68 and specificity 0.92); 3Cnet: 0.88 (>=0.6, sensitivity 0.72 and precision 0.9)]. The same nucleotide change resulting in the same amino acid change has been previously reported to be associated with TUBB3 related disorder (ClinVar ID: VCV001708291).A different missense change at the same codon (p.Leu273Phe) has been reported to be associated with TUBB3 related disorder (PMID: 26663670). Therefore, this variant is classified as Likely pathogenic according to the recommendation of ACMG/AMP guideline.

Department of Human Genetics, Hannover Medical School
Classification: Likely pathogenic for Complex cortical dysplasia with other brain malformations 1. Last evaluated: 2022-04-22. Review status: criteria provided, single submitter. Criteria: ACMG Guidelines, 2015. Collection method: clinical testing. Allele origin: de novo. Inheritance: Autosomal dominant inheritance. Affected: yes.

Centre of Medical Genetics, University Hospital Muenster
Classification: Likely pathogenic. Last evaluated: 2021-12-08. Review status: criteria provided, single submitter. Criteria: ACMG Guidelines, 2015. Collection method: clinical testing. Allele origin: de novo. Affected: yes. Observed: 1 variant allele, 1 heterozygote.
Comment: ACMG categories: PS2,PM1,PM2,PP3

Literature cited by the submitters: PubMed 26663670 (cited by 3billion).

NM_006086.4(TUBB3):c.817C>G (p.Leu273Val)

Gene: TUBB3 (tubulin beta 3 class III; plus strand). Cytogenetic location: 16q24.3.
Variant type: single nucleotide variant.
Coding change: c.817C>G on transcript NM_006086.4 (MANE Select); coding-DNA position 817, C replaced by G.
Protein change: p.Leu273Val; replaces leucine 273 with valine.
Molecular consequence: missense variant.
Genome position (GRCh38, 1-based): chr16:89,935,268, C>G. VCF-style: chr16-89935268-C-G. GRCh37 (hg19) VCF-style: chr16-90001676-C-G.
Other names: c.601C>G, p.Leu201Val (NM_001197181.2); short protein forms L201V, L273V.
Identifiers: ClinVar variation 1708291 (VCV001708291.3), dbSNP rs2544627741, ClinGen allele CA397475438.